The following is an entry in ClinVar:

ClinVar aggregate classification (germline): Uncertain significance (1 of 4 stars; one submission).

Submission:

Labcorp Genetics (formerly Invitae), Labcorp
Classification: Uncertain significance. Last evaluated: 2024-04-09. Review status: criteria provided, single submitter. Criteria: Invitae Variant Classification Sherloc (09022015). Collection method: clinical testing. Allele origin: germline.
Comment: This sequence change replaces methionine, which is neutral and non-polar, with lysine, which is basic and polar, at codon 115 of the ELP1 protein (p.Met115Lys). This variant is not present in population databases (gnomAD no frequency). This variant has not been reported in the literature in individuals affected with ELP1-related conditions. Advanced modeling of protein sequence and biophysical properties (such as structural, functional, and spatial information, amino acid conservation, physicochemical variation, residue mobility, and thermodynamic stability) performed at Invitae indicates that this missense variant is expected to disrupt ELP1 protein function with a positive predictive value of 80%. In summary, the available evidence is currently insufficient to determine the role of this variant in disease. Therefore, it has been classified as a Variant of Uncertain Significance.

NM_003640.5(ELP1):c.344T>A (p.Met115Lys)

Gene: ELP1 (elongator acetyltransferase complex subunit 1; minus strand). Cytogenetic location: 9q31.3.
Variant type: single nucleotide variant.
Coding change: c.344T>A on transcript NM_003640.5 (MANE Select); coding-DNA position 344, T replaced by A.
Protein change: p.Met115Lys; replaces methionine 115 with lysine.
Molecular consequence: missense variant. On other transcripts: initiator codon variant (1), 5 prime UTR variant (1).
Genome position (GRCh38, 1-based): chr9:108,927,413, A>T on the plus strand (T>A on the coding strand, the complement: ELP1 is on the minus strand). VCF-style: chr9-108927413-A-T. GRCh37 (hg19) VCF-style: chr9-111689693-A-T.
Other names: c.2T>A, p.Met1Lys (NM_001318360.2); c.-516T>A (NM_001330749.2); short protein forms M115K, M1K.
Identifiers: ClinVar variation 3630206 (VCV003630206.2).